The following is an entry in ClinVar:

NM_006922.4(SCN3A):c.4732G>A (p.Val1578Ile)

Gene: SCN3A (sodium voltage-gated channel alpha subunit 3; minus strand). Cytogenetic location: 2q24.3.
Variant type: single nucleotide variant.
Coding change: c.4732G>A on transcript NM_006922.4 (MANE Select); coding-DNA position 4732, G replaced by A.
Protein change: p.Val1578Ile; replaces valine 1578 with isoleucine.
Molecular consequence: missense variant.
Genome position (GRCh38, 1-based): chr2:165,092,329, C>T on the plus strand (G>A on the coding strand, the complement: SCN3A is on the minus strand). VCF-style: chr2-165092329-C-T. GRCh37 (hg19) VCF-style: chr2-165948839-C-T.
Other names: p.Val1578Ile; c.4585G>A, p.Val1529Ile (NM_001081676.2, NM_001081677.2); short protein forms V1529I, V1578I.
Identifiers: ClinVar variation 853261 (VCV000853261.8), dbSNP rs138241452, ClinGen allele CA1938516.

ClinVar aggregate classification (germline): Uncertain significance. Review status: criteria provided, multiple submitters, no conflicts (2 of 4 stars). 2 submissions from 2 submitters: Uncertain significance (2). Last evaluated 2025-09-24.

Allele frequency attached by ClinVar (database versions not stated): gnomAD 0.00001; gnomAD exomes 0.00001 and 0.00002; ExAC 0.00002; TOPMed 0.00002; ESP Exome Variant Server 0.00008.
gnomAD v4.1: 16 of 1,613,766 alleles (0.00099%); highest among the groups gnomAD compares: Admixed American, 0.0017%; no homozygotes.

Submissions (2):

Labcorp Genetics (formerly Invitae), Labcorp
Classification: Uncertain significance. Last evaluated: 2025-09-24. Review status: criteria provided, single submitter. Criteria: Invitae Variant Classification Sherloc (09022015). Collection method: clinical testing. Allele origin: germline.
Comment: This sequence change replaces valine, which is neutral and non-polar, with isoleucine, which is neutral and non-polar, at codon 1578 of the SCN3A protein (p.Val1578Ile). This variant is present in population databases (rs138241452, gnomAD 0.007%). This variant has not been reported in the literature in individuals affected with SCN3A-related conditions. ClinVar contains an entry for this variant (Variation ID: 853261). Invitae Evidence Modeling of protein sequence and biophysical properties (such as structural, functional, and spatial information, amino acid conservation, physicochemical variation, residue mobility, and thermodynamic stability) indicates that this missense variant is not expected to disrupt SCN3A protein function with a negative predictive value of 95%. In summary, the available evidence is currently insufficient to determine the role of this variant in disease. Therefore, it has been classified as a Variant of Uncertain Significance.

Mayo Clinic Laboratories, Mayo Clinic
Classification: Uncertain significance. Last evaluated: 2025-02-07. Review status: criteria provided, single submitter. Criteria: ACMG Guidelines, 2015. Collection method: clinical testing. Allele origin: germline. Observed: 1 variant allele.
Comment: BS2